The following is an entry in ClinVar:

ClinVar aggregate classification (germline): Uncertain significance. Review status: criteria provided, multiple submitters, no conflicts (2 of 4 stars). 2 submissions from 2 submitters: Uncertain significance (2). Last evaluated 2025-01-31.

Conditions:
Cardiovascular phenotype. Identifiers: MedGen CN230736.
Hereditary cancer-predisposing syndrome. Also called: Hereditary Cancer Syndrome; Hereditary neoplastic syndrome; Neoplastic Syndromes, Hereditary; Tumor predisposition. Identifiers: Orphanet 140162, MedGen C0027672, MeSH D009386, MONDO:0015356.

Allele frequency attached by ClinVar (database versions not stated): TOPMed below 0.00001.

Submissions (2):

Ambry Genetics
Classification: Uncertain significance for Cardiovascular phenotype; Hereditary cancer-predisposing syndrome. Last evaluated: 2025-01-31. Review status: criteria provided, single submitter. Criteria: Ambry Variant Classification Scheme 2023. Collection method: clinical testing. Allele origin: germline.
Comment: The p.S467R variant (also known as c.1401C>A), located in coding exon 13 of the LZTR1 gene, results from a C to A substitution at nucleotide position 1401. The serine at codon 467 is replaced by arginine, an amino acid with dissimilar properties. This amino acid position is not well conserved in available vertebrate species. In addition, the in silico prediction for this alteration is inconclusive. Based on the available evidence, the clinical significance of this variant remains unclear.

Labcorp Genetics (formerly Invitae), Labcorp
Classification: Uncertain significance. Last evaluated: 2024-02-14. Review status: criteria provided, single submitter. Criteria: Invitae Variant Classification Sherloc (09022015). Collection method: clinical testing. Allele origin: germline.
Comment: This sequence change replaces serine, which is neutral and polar, with arginine, which is basic and polar, at codon 467 of the LZTR1 protein (p.Ser467Arg). This variant is not present in population databases (gnomAD no frequency). This variant has not been reported in the literature in individuals affected with LZTR1-related conditions. ClinVar contains an entry for this variant (Variation ID: 1771803). Advanced modeling of protein sequence and biophysical properties (such as structural, functional, and spatial information, amino acid conservation, physicochemical variation, residue mobility, and thermodynamic stability) performed at Invitae indicates that this missense variant is not expected to disrupt LZTR1 protein function with a negative predictive value of 80%. In summary, the available evidence is currently insufficient to determine the role of this variant in disease. Therefore, it has been classified as a Variant of Uncertain Significance.

NM_006767.4(LZTR1):c.1401C>A (p.Ser467Arg)

Gene: LZTR1 (leucine zipper like post translational regulator 1; plus strand). Cytogenetic location: 22q11.21.
Variant type: single nucleotide variant.
Coding change: c.1401C>A on transcript NM_006767.4 (MANE Select); coding-DNA position 1401, C replaced by A.
Protein change: p.Ser467Arg; replaces serine 467 with arginine.
Molecular consequence: missense variant.
Genome position (GRCh38, 1-based): chr22:20,993,971, C>A. VCF-style: chr22-20993971-C-A. GRCh37 (hg19) VCF-style: chr22-21348260-C-A.
Other names: short protein forms S467R.
Identifiers: ClinVar variation 1771803 (VCV001771803.5), dbSNP rs1924706097, ClinGen allele CA410775174.